The following is an entry in ClinVar:

NM_006852.6(TLK2):c.2080-9C>T

Gene: TLK2 (tousled like kinase 2; plus strand). Cytogenetic location: 17q23.2.
Variant type: single nucleotide variant.
Coding change: c.2080-9C>T on transcript NM_006852.6 (MANE Select); 9 bases into the intron before coding-DNA position 2080, C replaced by T.
Molecular consequence: intron variant.
Genome position (GRCh38, 1-based): chr17:62,612,383, C>T. VCF-style: chr17-62612383-C-T. GRCh37 (hg19) VCF-style: chr17-60689744-C-T.
Other names: c.2080-9C>T (NM_001375271.1, NM_001375270.1); c.1633-9C>T (NM_001375273.1, NM_001330418.3); c.1984-9C>T (NM_001375272.1, NM_001284363.1); c.1795-9C>T (NM_001411074.1); c.2146-9C>T (NM_001284333.3); c.2122-9C>T (NM_001375269.1).
Identifiers: ClinVar variation 3051641 (VCV003051641.2), dbSNP rs201523479, ClinGen allele CA8695117.

ClinVar aggregate classification (germline): Likely benign (0 of 4 stars; one submission).

Conditions:
TLK2-related disorder. Also called: TLK2-related condition.

Allele frequency attached by ClinVar (database versions not stated): TOPMed 0.00032; ExAC 0.00037; ESP Exome Variant Server 0.00054.
gnomAD v4.1: 403 of 1,611,818 alleles (0.025%); highest among the groups gnomAD compares: Admixed American, 0.027%; no homozygotes.

Submission:

PreventionGenetics, part of Exact Sciences
Classification: Likely benign for TLK2-related condition. Last evaluated: 2020-01-31. Review status: no assertion criteria provided. Collection method: clinical testing. Allele origin: germline.
Comment: This variant is classified as likely benign based on ACMG/AMP sequence variant interpretation guidelines (Richards et al. 2015 PMID: 25741868, with internal and published modifications).